The following is an entry in ClinVar:

NM_001165.5(BIRC3):c.934C>T (p.His312Tyr)

Gene: BIRC3 (baculoviral IAP repeat containing 3; plus strand). Cytogenetic location: 11q22.2.
Variant type: single nucleotide variant.
Coding change: c.934C>T on transcript NM_001165.5 (MANE Select); coding-DNA position 934, C replaced by T.
Protein change: p.His312Tyr; replaces histidine 312 with tyrosine.
Molecular consequence: missense variant.
Genome position (GRCh38, 1-based): chr11:102,325,546, C>T. VCF-style: chr11-102325546-C-T. GRCh37 (hg19) VCF-style: chr11-102196277-C-T.
Other names: c.934C>T, p.His312Tyr (NM_182962.3); short protein forms H312Y.
Identifiers: ClinVar variation 3906846 (VCV003906846.1), dbSNP rs2497066643.

ClinVar aggregate classification (germline): Likely pathogenic (1 of 4 stars; one submission).

Conditions:
Regional enteritis. Also called: Enteritis, Granulomatous. Identifiers: MedGen C0678202, MeSH D003424.

gnomAD v4.1: 2 of 1,612,390 alleles (0.00012%); highest among the groups gnomAD compares: East Asian, 0.0022%; no homozygotes.

Submission:

Aleixo Muise Laboratory, Hospital For Sick Children
Classification: Likely pathogenic for Regional enteritis. Last evaluated: 2025-06-05. Review status: criteria provided, single submitter. Criteria: ACMG Guidelines, 2015. Collection method: research, in vitro. Allele origin: de novo, inherited, not applicable. Inheritance: Autosomal unknown. Affected: yes. Observed: 2 heterozygotes. Functional consequence: loss_of_function_variant.
Comment: PS2, PP3 - Computational evidence based on SIFT, Polyphen, LRT, MutationTaster, MCAP; PM2 - Based on data from gnomAD v4, PM1